The following is an entry in ClinVar:

ClinVar aggregate classification (germline): Uncertain significance. Review status: criteria provided, multiple submitters, no conflicts (2 of 4 stars). 3 submissions from 3 submitters: Uncertain significance (3). Last evaluated 2024-10-30.

Conditions:
Inborn genetic diseases. Identifiers: MedGen C0950123, MeSH D030342.

Allele frequency attached by ClinVar (database versions not stated): gnomAD exomes 0.00002 and 0.00006; ExAC 0.00008; gnomAD 0.00029 and 0.00033; TOPMed 0.00033; ESP Exome Variant Server 0.00046.
gnomAD v4.1: 74 of 1,613,582 alleles (0.0046%); highest among the groups gnomAD compares: African/African-American, 0.087%; no homozygotes.

Submissions (3):

Labcorp Genetics (formerly Invitae), Labcorp
Classification: Uncertain significance. Last evaluated: 2024-10-30. Review status: criteria provided, single submitter. Criteria: Invitae Variant Classification Sherloc (09022015). Collection method: clinical testing. Allele origin: germline.
Comment: This sequence change replaces serine, which is neutral and polar, with asparagine, which is neutral and polar, at codon 1724 of the CAD protein (p.Ser1724Asn). This variant is present in population databases (rs138370362, gnomAD 0.1%). This variant has not been reported in the literature in individuals affected with CAD-related conditions. ClinVar contains an entry for this variant (Variation ID: 1419544). An algorithm developed to predict the effect of missense changes on protein structure and function (PolyPhen-2) suggests that this variant¬†is likely to be tolerated. In summary, the available evidence is currently insufficient to determine the role of this variant in disease. Therefore, it has been classified as a Variant of Uncertain Significance.

Blueprint Genetics
Classification: Uncertain significance. Last evaluated: 2023-12-07. Review status: criteria provided, single submitter. Criteria: ACMG Guidelines, 2015. Collection method: clinical testing. Allele origin: germline.

Ambry Genetics
Classification: Uncertain significance for Inborn genetic diseases. Last evaluated: 2021-10-22. Review status: criteria provided, single submitter. Criteria: Ambry Variant Classification Scheme 2023. Collection method: clinical testing. Allele origin: germline.

NM_004341.5(CAD):c.5171G>A (p.Ser1724Asn)

Gene: CAD (carbamoyl-phosphate synthetase 2, aspartate transcarbamylase, and dihydroorotase; plus strand). Cytogenetic location: 2p23.3.
Variant type: single nucleotide variant.
Coding change: c.5171G>A on transcript NM_004341.5 (MANE Select); coding-DNA position 5171, G replaced by A.
Protein change: p.Ser1724Asn; replaces serine 1724 with asparagine.
Molecular consequence: missense variant.
Genome position (GRCh38, 1-based): chr2:27,239,150, G>A. VCF-style: chr2-27239150-G-A. GRCh37 (hg19) VCF-style: chr2-27462018-G-A.
Other names: c.5171G>A (NM_004341.3); c.4982G>A, p.Ser1661Asn (NM_001306079.2); short protein forms S1661N, S1724N.
Identifiers: ClinVar variation 1419544 (VCV001419544.6), dbSNP rs138370362, ClinGen allele CA1573768.